The following is an entry in ClinVar:

NM_002024.6(FMR1):c.52-3C>T

Gene: FMR1 (fragile X messenger ribonucleoprotein 1; plus strand). Cytogenetic location: Xq27.3.
Variant type: single nucleotide variant.
Coding change: c.52-3C>T on transcript NM_002024.6 (MANE Select); 3 bases into the intron before coding-DNA position 52, C replaced by T.
Molecular consequence: intron variant.
Genome position (GRCh38, 1-based): chrX:147,921,930, C>T. VCF-style: chrX-147921930-C-T. GRCh37 (hg19) VCF-style: chrX-147003448-C-T.
Other names: c.52-3C>T (NM_001185075.2, NM_001185076.2, NM_001185082.2 and 1 more transcripts).
Identifiers: ClinVar variation 4873266 (VCV004873266.2).

ClinVar aggregate classification (germline): Likely benign (1 of 4 stars; one submission).

gnomAD v4.1: 24 of 1,138,956 alleles (0.0021%); highest among the groups gnomAD compares: Non-Finnish European, 0.0029%; no homozygotes.

Submission:

CeGaT Center for Human Genetics Tuebingen
Classification: Likely benign. Last evaluated: 2026-04-01. Review status: criteria provided, single submitter. Criteria: CeGaT Center For Human Genetics Tuebingen Variant Classification Criteria Version 2. Collection method: clinical testing. Allele origin: germline. Affected: yes. Observed: 1 variant allele.
Comment: FMR1: BP4, BS2